The following is an entry in ClinVar:

ClinVar aggregate classification (germline): Uncertain significance (1 of 4 stars; one submission).

Submission:

Dasa
Classification: Uncertain significance. Last evaluated: 2024-11-06. Review status: criteria provided, single submitter. Criteria: DASA Assertion Criteria. Collection method: clinical testing. Allele origin: germline.
Comment: NM_015100.4(POGZ):c.1207G>C (p.Glu403Gln) is a missense variant that results in the substitution of glutamic acid with glutamine. This variant is absent from population databases. Computational prediction algorithms are consistent with a benign effect. The currently available literature and clinical evidence are not sufficient to establish a definitive association between this variant and the reported condition. Therefore, this variant is classified as a variant of uncertain significance.

NM_015100.4(POGZ):c.1207G>C (p.Glu403Gln)

Gene: POGZ (pogo transposable element derived with ZNF domain; minus strand). Cytogenetic location: 1q21.3.
Variant type: single nucleotide variant.
Coding change: c.1207G>C on transcript NM_015100.4 (MANE Select); coding-DNA position 1207, G replaced by C.
Protein change: p.Glu403Gln; replaces glutamic acid 403 with glutamine.
Molecular consequence: missense variant.
Genome position (GRCh38, 1-based): chr1:151,424,265, C>G on the plus strand (G>C on the coding strand, the complement: POGZ is on the minus strand). VCF-style: chr1-151424265-C-G. GRCh37 (hg19) VCF-style: chr1-151396741-C-G.
Other names: c.922G>C, p.Glu308Gln (NM_145796.4); c.1048G>C, p.Glu350Gln (NM_207171.2); c.1180G>C, p.Glu394Gln (NM_001194937.2); c.1021G>C, p.Glu341Gln (NM_001194938.2); c.1228G>C, p.Glu410Gln (NM_001410860.1); short protein forms E308Q, E341Q, E350Q, E394Q, E403Q, E410Q.
Identifiers: ClinVar variation 4885150 (VCV004885150.2).
Genomic context (GRCh38, chr1:151,424,265, plus strand): 5'-GCTTTGCTGCTGATGGGACACTGGGTTCTGAATCCAGGGACTTTCCTTTCTTCTGGTATT[C>G]AACCATTTCTGGGCAACAGTACTATAAAGAAAGACATCTGATCATTCTGGTTATCCTGGG-3'
Protein context (NP_055915.2, residues 393-413): HMCYCCPEMV[Glu403Gln]YQKKGKSLDS